The following is an entry in ClinVar:

ClinVar aggregate classification (germline): Uncertain significance. Review status: criteria provided, multiple submitters, no conflicts (2 of 4 stars). 2 submissions from 2 submitters: Uncertain significance (2). Last evaluated 2024-03-13.

Conditions:
Fanconi anemia (FA). Also called: Fanconi's anemia. Identifiers: Orphanet 84, MedGen C0015625, MeSH D005199, MONDO:0019391.
Fanconi anemia complementation group I (FANCI). Also called: FANCI-Related Fanconi Anemia. Identifiers: Orphanet 84, MedGen C1836861, MONDO:0012186, OMIM 609053.

Allele frequency attached by ClinVar (database versions not stated): gnomAD 0.00001; TOPMed 0.00003.
gnomAD v4.1: 16 of 1,614,110 alleles (0.00099%); highest among the groups gnomAD compares: Admixed American, 0.025%; no homozygotes.

Submissions (2):

Fulgent Genetics
Classification: Uncertain significance for Fanconi anemia complementation group I. Last evaluated: 2024-03-13. Review status: criteria provided, single submitter. Criteria: ACMG Guidelines, 2015. Collection method: clinical testing. Allele origin: germline.

Labcorp Genetics (formerly Invitae), Labcorp
Classification: Uncertain significance for Fanconi anemia. Last evaluated: 2022-03-12. Review status: criteria provided, single submitter. Criteria: Invitae Variant Classification Sherloc (09022015). Collection method: clinical testing. Allele origin: germline.
Comment: This sequence change replaces threonine, which is neutral and polar, with isoleucine, which is neutral and non-polar, at codon 1143 of the FANCI protein (p.Thr1143Ile). This variant is present in population databases (rs772071601, gnomAD 0.03%). This missense change has been observed in individual(s) with head and neck squamous cell carcinoma (PMID: 28678401). ClinVar contains an entry for this variant (Variation ID: 526363). Algorithms developed to predict the effect of missense changes on protein structure and function (SIFT, PolyPhen-2, Align-GVGD) all suggest that this variant is likely to be tolerated. In summary, the available evidence is currently insufficient to determine the role of this variant in disease. Therefore, it has been classified as a Variant of Uncertain Significance.

Literature cited by the submitters: PubMed 28678401 (cited by Labcorp Genetics (formerly Invitae), Labcorp).

NM_001113378.2(FANCI):c.3428C>T (p.Thr1143Ile)

Gene: FANCI (FA complementation group I; plus strand). Cytogenetic location: 15q26.1.
Variant type: single nucleotide variant.
Coding change: c.3428C>T on transcript NM_001113378.2 (MANE Select); coding-DNA position 3428, C replaced by T.
Protein change: p.Thr1143Ile; replaces threonine 1143 with isoleucine.
Molecular consequence: missense variant.
Genome position (GRCh38, 1-based): chr15:89,306,085, C>T. VCF-style: chr15-89306085-C-T. GRCh37 (hg19) VCF-style: chr15-89849316-C-T.
Other names: c.3149C>T, p.Thr1050Ile (NM_001376910.1); c.3428C>T, p.Thr1143Ile (NM_001376911.1); c.3248C>T, p.Thr1083Ile (NM_018193.3); short protein forms T1143I, T1083I, T1050I.
Identifiers: ClinVar variation 526363 (VCV000526363.8), dbSNP rs772071601, ClinGen allele CA7723717.